The following is an entry in ClinVar:

NM_022124.6(CDH23):c.10036G>C (p.Glu3346Gln)

Gene: CDH23 (cadherin related 23; plus strand). Cytogenetic location: 10q22.1.
Variant type: single nucleotide variant.
Coding change: c.10036G>C on transcript NM_022124.6 (MANE Select); coding-DNA position 10036, G replaced by C.
Protein change: p.Glu3346Gln; replaces glutamic acid 3346 with glutamine.
Molecular consequence: missense variant.
Genome position (GRCh38, 1-based): chr10:71,815,249, G>C. VCF-style: chr10-71815249-G-C. GRCh37 (hg19) VCF-style: chr10-73575006-G-C.
Other names: c.3316G>C, p.Glu1106Gln (NM_001171933.1); c.3211G>C, p.Glu1071Gln (NM_001171934.1); c.727G>C, p.Glu243Gln (NM_001171935.1); c.622G>C, p.Glu208Gln (NM_001171936.1); short protein forms E3346Q, E1071Q, E1106Q, E208Q, E243Q.
Identifiers: ClinVar variation 198641 (VCV000198641.18), dbSNP rs562525508, ClinGen allele CA247415.

ClinVar aggregate classification (germline): Conflicting classifications of pathogenicity. Review status: criteria provided, conflicting classifications (1 of 4 stars). 5 submissions from 5 submitters: Uncertain significance (1); Likely benign (2). 2 of the submissions do not count toward it. Last evaluated 2026-01-24.

Conditions:
CDH23-related disorder. Also called: CDH23-related condition; CDH23-related disorders.
Usher syndrome type 1D (USH1D). Also called: USHER SYNDROME, TYPE ID. Identifiers: Orphanet 231169, Orphanet 886, MedGen C1832845, MONDO:0010984, OMIM 601067.
Autosomal recessive nonsyndromic hearing loss 12. Also called: DEAFNESS, AUTOSOMAL RECESSIVE 12. Identifiers: Orphanet 90636, MedGen C1832394, MONDO:0011067, OMIM 601386.
Usher syndrome type 1 (USH1). Also called: RETINITIS PIGMENTOSA AND CONGENITAL DEAFNESS. Identifiers: Orphanet 231169, Orphanet 886, MedGen C1568247, MONDO:0010168, OMIM 276900.

Allele frequency attached by ClinVar (database versions not stated): gnomAD below 0.00001 and 0.00014; TOPMed 0.00002; gnomAD exomes 0.00022 and 0.00056; ExAC 0.00067; 1000 Genomes Project 0.00140; 1000 Genomes Project 30x 0.00156.
gnomAD v4.1: 345 of 1,586,334 alleles (0.022%); highest among the groups gnomAD compares: South Asian, 0.37%; 3 homozygotes.

Submissions (5):

Labcorp Genetics (formerly Invitae), Labcorp
Classification: Likely benign. Last evaluated: 2026-01-24. Review status: criteria provided, single submitter. Criteria: Invitae Variant Classification Sherloc (09022015). Collection method: clinical testing. Allele origin: germline.

Blueprint Genetics
Classification: Likely benign. Last evaluated: 2024-11-19. Review status: criteria provided, single submitter. Criteria: ACMG Guidelines, 2015. Collection method: clinical testing. Allele origin: germline.

Eurofins Ntd Llc (ga)
Classification: Uncertain significance. Last evaluated: 2014-08-11. Review status: criteria provided, single submitter. Criteria: EGL Classification Definitions 2015. Collection method: clinical testing. Allele origin: germline. Observed: 1 variant allele, 1 heterozygote.

PreventionGenetics, part of Exact Sciences
Classification: Likely benign for CDH23-related condition. Last evaluated: 2023-03-14. Review status: no assertion criteria provided. Collection method: clinical testing. Allele origin: germline. Not counted in ClinVar's aggregate classification.
Comment: This variant is classified as likely benign based on ACMG/AMP sequence variant interpretation guidelines (Richards et al. 2015 PMID: 25741868, with internal and published modifications).

Natera, Inc.
Classification: Benign for Usher syndrome type 1. Last evaluated: 2020-01-30. Review status: no assertion criteria provided. Collection method: clinical testing. Allele origin: germline. Not counted in ClinVar's aggregate classification.